The following is an entry in ClinVar:

NM_024577.4(SH3TC2):c.3794del (p.Leu1265fs)

Gene: SH3TC2 (SH3 domain and tetratricopeptide repeats 2; minus strand). Cytogenetic location: 5q32.
Variant type: Deletion.
Coding change: c.3794del on transcript NM_024577.4 (MANE Select); coding-DNA position 3794, one base deleted (T; older notation c.3794delT).
Protein change: p.Leu1265fs; shifts the reading frame from leucine 1265.
Molecular consequence: frameshift variant.
Genome position (GRCh38, 1-based): chr5:149,004,784, A deleted on the plus strand (T on the coding strand, the reverse complement: SH3TC2 is on the minus strand). VCF-style (leftmost placement, unchanged base first): chr5-149004783-CA-C. GRCh37 (hg19) VCF-style: chr5-148384346-CA-C.
Other names: short protein forms L1265fs.
Identifiers: ClinVar variation 3895476 (VCV003895476.1).
Genomic context (GRCh38, chr5:149,004,783, plus strand): 5'-GCCACCACCACTCAGCCACCGCGCCCTCTCTGAGGAGCACCCGGAGGGCCTGCTGTGCCA[CA>C]GGGGGCTCTGGCAGATGTTGTCCAGCCTGCTCCTAATGGTGTCCTGAAGCTCCTCATCAC-3'

ClinVar aggregate classification (germline): Uncertain significance (1 of 4 stars; one submission).

Conditions:
Charcot-Marie-Tooth disease type 4C (CMT4C). Also called: CHARCOT-MARIE-TOOTH DISEASE, DEMYELINATING, TYPE 4C; CHARCOT-MARIE-TOOTH DISEASE, DEMYELINATING, AUTOSOMAL RECESSIVE, TYPE 4C; Charcot-Marie-Tooth Neuropathy Type 4C (CMT4C); SH3TC2-Related Hereditary Motor and Sensory Neuropathy; CMT 4C. Identifiers: Orphanet 99949, MedGen C1866636, MONDO:0011113, OMIM 601596.

Submission:

Concord Molecular Medicine Laboratory, Concord Repatriation General Hospital
Classification: Uncertain significance for Charcot-Marie-Tooth disease type 4C. Last evaluated: 2025-04-30. Review status: criteria provided, single submitter. Criteria: ACMG Guidelines, 2015. Collection method: clinical testing. Allele origin: germline. Inheritance: Autosomal recessive inheritance. Affected: yes. Observed: 1 homozygote.
Comment: The variant is predicted to cause a frameshift starting a residue leucine 1265, and result in a premature termination codon 17 residues downstream. The frameshift occurs at the last exon of SH3TC2 and hence is not predicted to be subject to nonsense mediated decay. This variant has not been reported in control population database (gnomAD v4.1.0). The current evidence allows a classification of this variant as a variant of uncertain significance (PVS1_moderate, PM2_supporting).